The following is an entry in ClinVar:

ClinVar aggregate classification (germline): Likely benign (1 of 4 stars; one submission).

Conditions:
Cardiac anomalies - developmental delay - facial dysmorphism syndrome (MRFACD). Also called: MED13L Syndrome; Impaired intellectual development and distinctive facial features with or without cardiac defects. Identifiers: Orphanet 369891, MedGen C5192431, MONDO:0014773, OMIM 616789.

Submission:

Centre for Medical Genetics,  Mumbai
Classification: Likely benign for Cardiac anomalies - developmental delay - facial dysmorphism syndrome. Last evaluated: 2026-02-23. Review status: criteria provided, single submitter. Criteria: ACMG Guidelines, 2015. Collection method: provider interpretation. Allele origin: germline. Inheritance: Autosomal dominant inheritance. Affected: no. Observed: 1 heterozygote.
Comment: The variant satisfies PM2 criteria; Extremely low frequency in gnomAD population databases. The variant satisfies PP2 criteria; Missense variant in a gene with low rate of benign missense mutations and for which missense mutation is a common mechanism of a disease. However, the variant satisfies BS2 criteria.

Literature cited by the submitters: PubMed 14638541.

NM_015335.5(MED13L):c.1270T>C (p.Ser424Pro)

Gene: MED13L (mediator complex subunit 13L; minus strand). Cytogenetic location: 12q24.21.
Variant type: single nucleotide variant.
Coding change: c.1270T>C on transcript NM_015335.5 (MANE Select); coding-DNA position 1270, T replaced by C.
Protein change: p.Ser424Pro; replaces serine 424 with proline.
Molecular consequence: missense variant.
Genome position (GRCh38, 1-based): chr12:116,012,807, A>G on the plus strand (T>C on the coding strand, the complement: MED13L is on the minus strand). VCF-style: chr12-116012807-A-G. GRCh37 (hg19) VCF-style: chr12-116450612-A-G.
Other names: short protein forms S424P.
Identifiers: ClinVar variation 4796743 (VCV004796743.1).